The following is an entry in ClinVar:

ClinVar aggregate classification (germline): Likely benign. Review status: criteria provided, multiple submitters, no conflicts (2 of 4 stars). 5 submissions from 5 submitters: Likely benign (4). 1 of the submissions does not count toward it. Last evaluated 2026-09-01.

Conditions:
GRIN2D-related disorder. Also called: GRIN2D-related condition.

Allele frequency attached by ClinVar (database versions not stated): ExAC below 0.00001; 1000 Genomes Project 30x 0.00187; gnomAD 0.00398 and 0.00416; TOPMed 0.00453; gnomAD exomes 0.00596 and 0.00865.
gnomAD v4.1: 6,105 of 1,074,576 alleles (0.57%); highest among the groups gnomAD compares: Middle Eastern, 1%; 25 homozygotes.

Submissions (5):

CeGaT Center for Human Genetics Tuebingen
Classification: Likely benign. Last evaluated: 2026-09-01. Review status: criteria provided, single submitter. Criteria: CeGaT Center For Human Genetics Tuebingen Variant Classification Criteria Version 2. Collection method: clinical testing. Allele origin: germline. Affected: yes. Observed: 29 variant alleles.
Comment: GRIN2D: BP4, BP7, BS2

Labcorp Genetics (formerly Invitae), Labcorp
Classification: Likely benign. Last evaluated: 2026-02-03. Review status: criteria provided, single submitter. Criteria: Invitae Variant Classification Sherloc (09022015). Collection method: clinical testing. Allele origin: germline.

Blueprint Genetics
Classification: Likely benign. Last evaluated: 2024-11-21. Review status: criteria provided, single submitter. Criteria: ACMG Guidelines, 2015. Collection method: clinical testing. Allele origin: germline.

Breakthrough Genomics
Classification: Likely benign. Review status: criteria provided, single submitter. Criteria: ACMG Guidelines, 2015. Collection method: not provided. Allele origin: germline. Inheritance: Autosomal dominant inheritance. Affected: yes.

PreventionGenetics, part of Exact Sciences
Classification: Benign for GRIN2D-related condition. Last evaluated: 2019-04-22. Review status: no assertion criteria provided. Collection method: clinical testing. Allele origin: germline. Not counted in ClinVar's aggregate classification.
Comment: This variant is classified as benign based on ACMG/AMP sequence variant interpretation guidelines (Richards et al. 2015 PMID: 25741868, with internal and published modifications).

NM_000836.4(GRIN2D):c.2910G>A (p.Pro970=)

Gene: GRIN2D (glutamate ionotropic receptor NMDA type subunit 2D; plus strand). Cytogenetic location: 19q13.33.
Variant type: single nucleotide variant.
Coding change: c.2910G>A on transcript NM_000836.4 (MANE Select); coding-DNA position 2910, G replaced by A.
Protein change: p.Pro970=; no amino-acid change (proline 970 retained).
Molecular consequence: synonymous variant.
Genome position (GRCh38, 1-based): chr19:48,442,836, G>A. VCF-style: chr19-48442836-G-A. GRCh37 (hg19) VCF-style: chr19-48946093-G-A.
Identifiers: ClinVar variation 774738 (VCV000774738.53), dbSNP rs771799381, ClinGen allele CA9550812.